The following is an entry in ClinVar:

NM_001242957.3(MAK):c.739_748del (p.Lys247fs)

Gene: MAK (male germ cell associated kinase; minus strand). Cytogenetic location: 6p24.2.
Variant type: Deletion.
Coding change: c.739_748del on transcript NM_001242957.3 (MANE Select); coding-DNA positions 739 to 748, 10 bases deleted (AAAACTCTTA; older notation c.739_748delAAAACTCTTA).
Protein change: p.Lys247fs; shifts the reading frame from lysine 247.
Molecular consequence: frameshift variant. On other transcripts: non-coding transcript variant (2).
Genome position (GRCh38, 1-based): chr6:10,801,975-10,801,984, TAAGAGTTTT deleted on the plus strand (AAAACTCTTA on the coding strand, the reverse complement: MAK is on the minus strand); deleting any 10 consecutive bases within chr6:10,801,975-10,801,988 gives the same sequence; the c. name uses the placement nearest the transcript's 3' end. VCF-style (leftmost placement, unchanged base first): chr6-10801974-ATAAGAGTTTT-A. GRCh37 (hg19) VCF-style: chr6-10802207-ATAAGAGTTTT-A.
Other names: c.739_748del, p.Lys247fs (NM_001242385.2, NM_005906.6); c.637_646del, p.Lys213fs (NM_001377262.1); short protein forms K213fs, K247fs.
Identifiers: ClinVar variation 2863226 (VCV002863226.3), dbSNP rs2532468284, ClinGen allele CA2739272841.

ClinVar aggregate classification (germline): Pathogenic (1 of 4 stars; one submission).

Submission:

Labcorp Genetics (formerly Invitae), Labcorp
Classification: Pathogenic. Last evaluated: 2023-05-22. Review status: criteria provided, single submitter. Criteria: Invitae Variant Classification Sherloc (09022015). Collection method: clinical testing. Allele origin: germline.
Comment: This sequence change creates a premature translational stop signal (p.Lys247Phefs*12) in the MAK gene. It is expected to result in an absent or disrupted protein product. Loss-of-function variants in MAK are known to be pathogenic (PMID: 21148103, 21825139, 24938718, 29781741). This variant is not present in population databases (gnomAD no frequency). This variant has not been reported in the literature in individuals affected with MAK-related conditions. Algorithms developed to predict the effect of sequence changes on RNA splicing suggest that this variant may disrupt the consensus splice site. For these reasons, this variant has been classified as Pathogenic.

Literature cited by the submitters: PubMed 21148103; PubMed 21825139; PubMed 24938718; PubMed 29781741.